The following is an entry in ClinVar:

NM_003239.5(TGFB3):c.361G>C (p.Ala121Pro)

Gene: TGFB3 (transforming growth factor beta 3; minus strand). Cytogenetic location: 14q24.3.
Variant type: single nucleotide variant.
Coding change: c.361G>C on transcript NM_003239.5 (MANE Select); coding-DNA position 361, G replaced by C.
Protein change: p.Ala121Pro; replaces alanine 121 with proline.
Molecular consequence: missense variant.
Genome position (GRCh38, 1-based): chr14:75,971,710, C>G on the plus strand (G>C on the coding strand, the complement: TGFB3 is on the minus strand). VCF-style: chr14-75971710-C-G. GRCh37 (hg19) VCF-style: chr14-76438053-C-G.
Other names: c.361G>C, p.Ala121Pro (NM_001329938.2, NM_001329939.2); short protein forms A121P.
Identifiers: ClinVar variation 1733310 (VCV001733310.5), dbSNP rs944621196, ClinGen allele CA263707227.

ClinVar aggregate classification (germline): Uncertain significance. Review status: criteria provided, multiple submitters, no conflicts (2 of 4 stars). 2 submissions from 2 submitters: Uncertain significance (2). Last evaluated 2023-08-16.

Conditions:
Rienhoff syndrome. Also called: LOEYS-DIETZ SYNDROME 5. Identifiers: MedGen C3810012, MONDO:0014262, OMIM 615582.
Familial thoracic aortic aneurysm and aortic dissection (TAAD). Also called: Thoracic aortic aneurysms and dissections. Identifiers: Orphanet 91387, MedGen C4707243, MONDO:0019625.

Allele frequency attached by ClinVar (database versions not stated): TOPMed below 0.00001; gnomAD 0.00001.
gnomAD v4.1: 1 of 1,614,088 alleles (0.000062%); highest among the groups gnomAD compares: Non-Finnish European, 0.000085%; no homozygotes.

Submissions (2):

Labcorp Genetics (formerly Invitae), Labcorp
Classification: Uncertain significance for Rienhoff syndrome. Last evaluated: 2023-08-16. Review status: criteria provided, single submitter. Criteria: Invitae Variant Classification Sherloc (09022015). Collection method: clinical testing. Allele origin: germline.
Comment: This variant has not been reported in the literature in individuals affected with TGFB3-related conditions. This variant is present in population databases (no rsID available, gnomAD 0.007%). ClinVar contains an entry for this variant (Variation ID: 1733310). In summary, the available evidence is currently insufficient to determine the role of this variant in disease. Therefore, it has been classified as a Variant of Uncertain Significance. Advanced modeling of protein sequence and biophysical properties (such as structural, functional, and spatial information, amino acid conservation, physicochemical variation, residue mobility, and thermodynamic stability) performed at Invitae indicates that this missense variant is not expected to disrupt TGFB3 protein function. This sequence change replaces alanine, which is neutral and non-polar, with proline, which is neutral and non-polar, at codon 121 of the TGFB3 protein (p.Ala121Pro).

Ambry Genetics
Classification: Uncertain significance for Familial thoracic aortic aneurysm and aortic dissection. Last evaluated: 2022-10-27. Review status: criteria provided, single submitter. Criteria: Ambry Variant Classification Scheme 2023. Collection method: clinical testing. Allele origin: germline.
Comment: The p.A121P variant (also known as c.361G>C), located in coding exon 2 of the TGFB3 gene, results from a G to C substitution at nucleotide position 361. The alanine at codon 121 is replaced by proline, an amino acid with highly similar properties. This amino acid position is conserved. In addition, this alteration is predicted to be tolerated by in silico analysis. Since supporting evidence is limited at this time, the clinical significance of this alteration remains unclear.